The following is an entry in ClinVar:

NM_003072.5(SMARCA4):c.1526C>T (p.Ala509Val)

Gene: SMARCA4 (SWI/SNF related BAF chromatin remodeling complex subunit ATPase 4; plus strand). Cytogenetic location: 19p13.2.
Variant type: single nucleotide variant.
Coding change: c.1526C>T on transcript NM_003072.5 (MANE Select); coding-DNA position 1526, C replaced by T.
Protein change: p.Ala509Val; replaces alanine 509 with valine.
Molecular consequence: missense variant. On other transcripts: non-coding transcript variant (1).
Genome position (GRCh38, 1-based): chr19:10,994,934, C>T. VCF-style: chr19-10994934-C-T. GRCh37 (hg19) VCF-style: chr19-11105610-C-T.
Other names: c.1526C>T, p.Ala509Val (NM_001374457.1, NM_001128844.3, NM_001128845.2 and 4 more transcripts); short protein forms A509V.
Identifiers: ClinVar variation 819455 (VCV000819455.18), dbSNP rs1600068270, ClinGen allele CA404062185.

ClinVar aggregate classification (germline): Uncertain significance. Review status: criteria provided, multiple submitters, no conflicts (2 of 4 stars). 4 submissions from 4 submitters: Uncertain significance (4). Last evaluated 2024-04-08.

Conditions:
Hereditary cancer-predisposing syndrome. Also called: Tumor predisposition; Hereditary neoplastic syndrome; Neoplastic Syndromes, Hereditary; Hereditary Cancer Syndrome. Identifiers: Orphanet 140162, MedGen C0027672, MeSH D009386, MONDO:0015356.
Rhabdoid tumor predisposition syndrome 2 (RTPS2). Identifiers: Orphanet 231108, Orphanet 69077, MedGen C2750074, MONDO:0013224, OMIM 613325.
Intellectual disability, autosomal dominant 16 (CSS4). Also called: COFFIN-SIRIS SYNDROME 4. Identifiers: Orphanet 1465, MedGen C3553249, MONDO:0013821, OMIM 614609.

Allele frequency attached by ClinVar (database versions not stated): TOPMed below 0.00001.

Submissions (4):

Ambry Genetics
Classification: Uncertain significance for Hereditary cancer-predisposing syndrome. Last evaluated: 2024-04-08. Review status: criteria provided, single submitter. Criteria: Ambry Variant Classification Scheme 2023. Collection method: clinical testing. Allele origin: germline.
Comment: The p.A509V variant (also known as c.1526C>T), located in coding exon 8 of the SMARCA4 gene, results from a C to T substitution at nucleotide position 1526. The alanine at codon 509 is replaced by valine, an amino acid with similar properties. This amino acid position is highly conserved in available vertebrate species. In addition, the in silico prediction for this alteration is inconclusive. Based on the available evidence, the clinical significance of this variant remains unclear.

Baylor Genetics
Classification: Uncertain significance for Rhabdoid tumor predisposition syndrome 2. Last evaluated: 2023-11-02. Review status: criteria provided, single submitter. Criteria: ACMG Guidelines, 2015. Collection method: clinical testing. Allele origin: unknown.

Genome-Nilou Lab
Classification: Uncertain significance for Intellectual disability, autosomal dominant 16. Last evaluated: 2021-07-15. Review status: criteria provided, single submitter. Criteria: ACMG Guidelines, 2015. Collection method: clinical testing. Allele origin: germline. Affected: no.

Labcorp Genetics (formerly Invitae), Labcorp
Classification: Uncertain significance for Rhabdoid tumor predisposition syndrome 2. Last evaluated: 2020-08-18. Review status: criteria provided, single submitter. Criteria: Invitae Variant Classification Sherloc (09022015). Collection method: clinical testing. Allele origin: germline.
Comment: In summary, the available evidence is currently insufficient to determine the role of this variant in disease. Therefore, it has been classified as a Variant of Uncertain Significance. Algorithms developed to predict the effect of missense changes on protein structure and function (SIFT, PolyPhen-2, Align-GVGD) all suggest that this variant is likely to be disruptive, but these predictions have not been confirmed by published functional studies and their clinical significance is uncertain. This variant has not been reported in the literature in individuals with SMARCA4-related conditions. This variant is not present in population databases (ExAC no frequency). This sequence change replaces alanine with valine at codon 509 of the SMARCA4 protein (p.Ala509Val). The alanine residue is highly conserved and there is a small physicochemical difference between alanine and valine.